The following is an entry in ClinVar:

ClinVar aggregate classification (germline): Likely pathogenic. Review status: criteria provided, single submitter (1 of 4 stars). 2 submissions from 2 submitters: Likely pathogenic (1). 1 of the submissions does not count toward it. Last evaluated 2018-12-21.

Conditions:
USH2A-related disorder. Also called: USH2A-related disorders; USH2A-related condition. Identifiers: MedGen CN239332.
Retinitis pigmentosa (RP). Identifiers: Orphanet 791, MedGen C0035334, MeSH D012174, MONDO:0019200, OMIM 268000. Inheritance: Autosomal dominant, autosomal recessive and X linked inheritance.

Allele frequency attached by ClinVar (database versions not stated): gnomAD exomes below 0.00001.
gnomAD v4.1: 1 of 1,614,132 alleles (0.000062%); highest among the groups gnomAD compares: Non-Finnish European, 0.000085%; no homozygotes.

Submissions (2):

Blueprint Genetics
Classification: Likely pathogenic for USH2A-related disorders. Last evaluated: 2018-12-21. Review status: criteria provided, single submitter. Criteria: ACMG Guidelines, 2015. Collection method: clinical testing. Allele origin: germline. Affected: yes. Observed: 2 variant alleles.

Department of Ophthalmology and Visual Sciences Kyoto University
Classification: Likely pathogenic for Retinitis pigmentosa. Review status: no assertion criteria provided. Collection method: not provided. Allele origin: unknown. Not counted in ClinVar's aggregate classification.
ClinVar note: Converted during submission from probable-pathogenic to Likely pathogenic.

NM_206933.4(USH2A):c.13466G>A (p.Gly4489Asp)

Gene: USH2A (usherin; minus strand). Cytogenetic location: 1q41.
Variant type: single nucleotide variant.
Coding change: c.13466G>A on transcript NM_206933.4 (MANE Select); coding-DNA position 13466, G replaced by A.
Protein change: p.Gly4489Asp; replaces glycine 4489 with aspartic acid.
Molecular consequence: missense variant.
Genome position (GRCh38, 1-based): chr1:215,674,445, C>T on the plus strand (G>A on the coding strand, the complement: USH2A is on the minus strand). VCF-style: chr1-215674445-C-T. GRCh37 (hg19) VCF-style: chr1-215847787-C-T.
Other names: short protein forms G4489D.
Identifiers: ClinVar variation 143173 (VCV000143173.4), dbSNP rs527236127, ClinGen allele CA270141.